The following is an entry in ClinVar:

NM_003001.5(SDHC):c.176A>C (p.Tyr59Ser)

Gene: SDHC (succinate dehydrogenase complex subunit C; plus strand). Cytogenetic location: 1q23.3.
Variant type: single nucleotide variant.
Coding change: c.176A>C on transcript NM_003001.5 (MANE Select); coding-DNA position 176, A replaced by C.
Protein change: p.Tyr59Ser; replaces tyrosine 59 with serine.
Molecular consequence: missense variant. On other transcripts: non-coding transcript variant (1), intron variant (4).
Genome position (GRCh38, 1-based): chr1:161,328,494, A>C. VCF-style: chr1-161328494-A-C. GRCh37 (hg19) VCF-style: chr1-161298284-A-C.
Other names: c.176A>C, p.Tyr59Ser (NM_001035511.3, NM_001407115.1); c.119A>C, p.Tyr40Ser (NM_001407116.1, NM_001407117.1, NM_001407121.1); c.65A>C, p.Tyr22Ser (NM_001407119.1, NM_001407120.1); c.77+4824A>C (NM_001035512.3, NM_001278172.3, NM_001407118.1); c.21-12100A>C (NM_001035513.3); short protein forms Y40S, Y22S, Y59S.
Identifiers: ClinVar variation 1779744 (VCV001779744.3), dbSNP rs2526365663, ClinGen allele CA343361368.

ClinVar aggregate classification (germline): Uncertain significance (1 of 4 stars; one submission).

Conditions:
Hereditary cancer-predisposing syndrome. Also called: Neoplastic Syndromes, Hereditary; Tumor predisposition; Hereditary Cancer Syndrome; Hereditary neoplastic syndrome. Identifiers: Orphanet 140162, MedGen C0027672, MeSH D009386, MONDO:0015356.

Allele frequency attached by ClinVar (database versions not stated): gnomAD exomes below 0.00001.
gnomAD v4.1: 2 of 1,593,932 alleles (0.00013%); highest among the groups gnomAD compares: Non-Finnish European, 0.00017%; no homozygotes.

Submission:

Ambry Genetics
Classification: Uncertain significance for Hereditary cancer-predisposing syndrome. Last evaluated: 2026-05-05. Review status: criteria provided, single submitter. Criteria: Ambry Variant Classification Scheme 2023. Collection method: clinical testing. Allele origin: germline.
Comment: The p.Y59S variant (also known as c.176A>C), located in coding exon 3 of the SDHC gene, results from an A to C substitution at nucleotide position 176. The tyrosine at codon 59 is replaced by serine, an amino acid with dissimilar properties. This amino acid position is highly conserved in available vertebrate species. In addition, this alteration is predicted to be deleterious by in silico analysis. Based on the available evidence, the clinical significance of this variant remains unclear.